The following is an entry in ClinVar:

NM_152730.6(TBC1D32):c.1475C>T (p.Ser492Phe)

Gene: TBC1D32 (TBC1 domain family member 32; minus strand). Cytogenetic location: 6q22.31.
Variant type: single nucleotide variant.
Coding change: c.1475C>T on transcript NM_152730.6 (MANE Select); coding-DNA position 1475, C replaced by T.
Protein change: p.Ser492Phe; replaces serine 492 with phenylalanine.
Molecular consequence: missense variant. On other transcripts: non-coding transcript variant (1).
Genome position (GRCh38, 1-based): chr6:121,281,677, G>A on the plus strand (C>T on the coding strand, the complement: TBC1D32 is on the minus strand). VCF-style: chr6-121281677-G-A. GRCh37 (hg19) VCF-style: chr6-121602823-G-A.
Other names: c.1475C>T, p.Ser492Phe (NM_001367759.1, NM_001367760.1); short protein forms S492F.
Identifiers: ClinVar variation 2636263 (VCV002636263.1), dbSNP rs765758059, ClinGen allele CA3981135.

ClinVar aggregate classification (germline): Uncertain significance (1 of 4 stars; one submission).

Conditions:
TBC1D32-related disorder. Also called: TBC1D32-related condition.

Allele frequency attached by ClinVar (database versions not stated): TOPMed 0.00001.
gnomAD v4.1: 62 of 1,587,476 alleles (0.0039%); highest among the groups gnomAD compares: Non-Finnish European, 0.0049%; no homozygotes.

Submission:

PreventionGenetics, part of Exact Sciences
Classification: Uncertain significance for TBC1D32-related condition. Last evaluated: 2023-06-26. Review status: criteria provided, single submitter. Criteria: ACMG Guidelines, 2015. Collection method: clinical testing. Allele origin: germline.
Comment: The TBC1D32 c.1475C>T variant is predicted to result in the amino acid substitution p.Ser492Phe. To our knowledge, this variant has not been reported in the literature. This variant is reported in 0.0065% of alleles in individuals of European (Non-Finnish) descent in gnomAD. At this time, the clinical significance of this variant is uncertain due to the absence of conclusive functional and genetic evidence.